The following is an entry in ClinVar:

ClinVar aggregate classification (germline): Uncertain significance (1 of 4 stars; one submission).

Conditions:
Inborn genetic diseases. Identifiers: MedGen C0950123, MeSH D030342.

gnomAD v4.1: 2 of 1,613,894 alleles (0.00012%); highest among the groups gnomAD compares: Non-Finnish European, 0.00017%; no homozygotes.

Submission:

Ambry Genetics
Classification: Uncertain significance for Inborn genetic diseases. Last evaluated: 2026-07-21. Review status: criteria provided, single submitter. Criteria: Ambry Variant Classification Scheme 2023. Collection method: clinical testing. Allele origin: germline.
Comment: The p.S472G variant (also known as c.1414A>G), located in coding exon 12 of the DPYD gene, results from an A to G substitution at nucleotide position 1414. The serine at codon 472 is replaced by glycine, an amino acid with similar properties. This amino acid position is conserved. In addition, the in silico prediction for this alteration is inconclusive. Based on the available evidence, the clinical significance of this variant remains unclear.

NM_000110.4(DPYD):c.1414A>G (p.Ser472Gly)

Gene: DPYD (dihydropyrimidine dehydrogenase; minus strand). Cytogenetic location: 1p21.3.
Variant type: single nucleotide variant.
Coding change: c.1414A>G on transcript NM_000110.4 (MANE Select); coding-DNA position 1414, A replaced by G.
Protein change: p.Ser472Gly; replaces serine 472 with glycine.
Molecular consequence: missense variant.
Genome position (GRCh38, 1-based): chr1:97,549,670, T>C on the plus strand (A>G on the coding strand, the complement: DPYD is on the minus strand). VCF-style: chr1-97549670-T-C. GRCh37 (hg19) VCF-style: chr1-98015226-T-C.
Other names: short protein forms S472G.
Identifiers: ClinVar variation 5035579 (VCV005035579.1).